The following is an entry in ClinVar:

ClinVar aggregate classification (germline): Uncertain significance (1 of 4 stars; one submission).

Submission:

CeGaT Center for Human Genetics Tuebingen
Classification: Uncertain significance. Last evaluated: 2022-04-01. Review status: criteria provided, single submitter. Criteria: CeGaT Center For Human Genetics Tuebingen Variant Classification Criteria Version 2. Collection method: clinical testing. Allele origin: germline. Affected: yes. Observed: 1 variant allele.
Comment: PIK3R1: PM2, PP2, PP3, BP5

NM_181523.3(PIK3R1):c.1472T>G (p.Ile491Arg)

Gene: PIK3R1 (phosphoinositide-3-kinase regulatory subunit 1; plus strand). Cytogenetic location: 5q13.1.
Variant type: single nucleotide variant.
Coding change: c.1472T>G on transcript NM_181523.3 (MANE Select); coding-DNA position 1472, T replaced by G.
Protein change: p.Ile491Arg; replaces isoleucine 491 with arginine.
Molecular consequence: missense variant.
Genome position (GRCh38, 1-based): chr5:68,294,582, T>G. VCF-style: chr5-68294582-T-G. GRCh37 (hg19) VCF-style: chr5-67590410-T-G.
Other names: c.383T>G, p.Ile128Arg (NM_001242466.2); c.662T>G, p.Ile221Arg (NM_181504.4); c.572T>G, p.Ile191Arg (NM_181524.2); short protein forms I128R, I191R, I221R, I491R.
Identifiers: ClinVar variation 1695130 (VCV001695130.31), dbSNP rs2112269469, ClinGen allele CA359881530.
Genomic context (GRCh38, chr5:68,294,582, plus strand): 5'-AAATTATGTTGCAGGAAATCCAAATGAAAAGGACAGCTATTGAAGCATTTAATGAAACCA[T>G]AAAAATATTTGAAGAACAGTGCCAGACCCAAGAGCGGTACAGCAAAGAATACATAGAAAA-3'
Protein context (NP_852664.1, residues 481-501): RTAIEAFNET[Ile491Arg]KIFEEQCQTQ